The following is an entry in ClinVar:

ClinVar aggregate classification (germline): Pathogenic (1 of 4 stars; one submission).

Conditions:
VPS13A-related neurodegenerative disease. Also called: LEVINE-CRITCHLEY SYNDROME; Choreoacanthocytosis; Chorea-acanthocytosis; ACANTHOCYTOSIS WITH NEUROLOGIC DISORDER; VPS13A Disease; Choreaacanthocytosis. Identifiers: Orphanet 2388, MedGen C0393576, MONDO:0008695, OMIM 200150.

Submission:

Myriad Genetics, Inc.
Classification: Pathogenic for VPS13A-related neurodegenerative disease. Last evaluated: 2024-05-14. Review status: criteria provided, single submitter. Criteria: Myriad Autosomal Dominant, Autosomal Recessive and X-Linked Classification Criteria (2023). Collection method: clinical testing. Allele origin: unknown.
Comment: NM_033305.2(VPS13A):c.5897dupT(R1967Kfs*8) is expected to be pathogenic in the context of VPS13A disease. This variant is predicted to lead to an abnormal or absent protein product due to the creation of a premature termination codon in VPS13A, a gene where loss-of-function variants are known to be pathogenic. Please note: this variant was assessed in the context of healthy population screening.

NM_033305.3(VPS13A):c.5897dup (p.Arg1967fs)

Gene: VPS13A (vacuolar protein sorting 13 homolog A; plus strand). Cytogenetic location: 9q21.2.
Variant type: Duplication.
Coding change: c.5897dup on transcript NM_033305.3 (MANE Select); coding-DNA position 5897, one base duplicated (T; older notation c.5897dupT).
Protein change: p.Arg1967fs; shifts the reading frame from arginine 1967.
Molecular consequence: frameshift variant.
Genome position (GRCh38, 1-based): chr9:77,323,133, T duplicated. VCF-style (leftmost placement, unchanged base first): chr9-77323132-G-GT. GRCh37 (hg19) VCF-style: chr9-79938048-G-GT.
Other names: c.5780dup, p.Arg1928fs (NM_001018037.2); c.5897dup, p.Arg1967fs (NM_001018038.3, NM_015186.4); short protein forms R1928fs, R1967fs.
Identifiers: ClinVar variation 5010608 (VCV005010608.1), dbSNP rs2131454696.
Genomic context (GRCh38, chr9:77,323,132, plus strand): 5'-GTTAACCATTCTACTGCTGATAAGATTCCTTTAACAAAAGTGGGACGACGTCTGTACACT[G>GT]TAAGACACAGAGAGTCTGGCGTTGAAAGATCTATTGTTTGTCAAATTGATACAGTAGAAG-3'